The following is an entry in ClinVar:

NM_000891.3(KCNJ2):c.652C>T (p.Arg218Trp)

Gene: KCNJ2 (potassium inwardly rectifying channel subfamily J member 2; plus strand). Cytogenetic location: 17q24.3.
Variant type: single nucleotide variant.
Coding change: c.652C>T on transcript NM_000891.3 (MANE Select); coding-DNA position 652, C replaced by T.
Protein change: p.Arg218Trp; replaces arginine 218 with tryptophan.
Molecular consequence: missense variant.
Genome position (GRCh38, 1-based): chr17:70,175,691, C>T. VCF-style: chr17-70175691-C-T. GRCh37 (hg19) VCF-style: chr17-68171832-C-T.
Other names: R218W; p.R218W:CGG>TGG; c.652C>T (LRG_328t1).
Identifiers: ClinVar variation 8919 (VCV000008919.35), dbSNP rs104894578, ClinGen allele CA302041.
Genomic context (GRCh38, chr17:70,175,691, plus strand): 5'-AATGCCGTGATTGCCATGAGAGACGGCAAGCTGTGTTTGATGTGGCGAGTGGGCAATCTT[C>T]GGAAAAGCCACTTGGTGGAAGCTCATGTTCGAGCACAGCTCCTCAAATCCAGAATTACTT-3'
Protein context (NP_000882.1, residues 208-228): LCLMWRVGNL[Arg218Trp]KSHLVEAHVR

ClinVar aggregate classification (germline): Pathogenic/Likely pathogenic. Review status: criteria provided, multiple submitters, no conflicts (2 of 4 stars). 17 submissions from 17 submitters: Pathogenic (11); Likely pathogenic (1). 5 of the submissions do not count toward it. Last evaluated 2025-04-23.

Conditions:
KCNJ2-related disorder. Also called: KCNJ2-related condition.
Cardiovascular phenotype. Identifiers: MedGen CN230736.
Familial long QT syndrome (RWS). Also called: Romano-Ward syndrome; VENTRICULAR FIBRILLATION WITH PROLONGED QT INTERVAL; Congenital long QT syndrome. Identifiers: Orphanet 768, MedGen C1141890, MONDO:0019171.
Short QT syndrome type 3. Identifiers: Orphanet 51083, MedGen C1865018, MONDO:0012314, OMIM 609622.
Atrial fibrillation, familial, 9 (ATFB9). Identifiers: MedGen C3151431, MONDO:0013513, OMIM 613980.
Andersen Tawil syndrome (LQT7). Also called: LONG QT SYNDROME 7; Andersen Syndrome; Potassium-sensitive periodic paralysis, ventricular ectopy, and dysmorphic features; PERIODIC PARALYSIS, POTASSIUM-SENSITIVE CARDIODYSRHYTHMIC TYPE; ANDERSEN CARDIODYSRHYTHMIC PERIODIC PARALYSIS. Identifiers: Orphanet 37553, MedGen C1563715, MONDO:0008222, OMIM 170390.

Submissions 1 to 13 of 17:

Labcorp Genetics (formerly Invitae), Labcorp
Classification: Pathogenic for Short QT syndrome type 3; Andersen Tawil syndrome. Last evaluated: 2025-04-23. Review status: criteria provided, single submitter. Criteria: Invitae Variant Classification Sherloc (09022015). Collection method: clinical testing. Allele origin: germline.
Comment: This sequence change replaces arginine, which is basic and polar, with tryptophan, which is neutral and slightly polar, at codon 218 of the KCNJ2 protein (p.Arg218Trp). This variant is not present in population databases (gnomAD no frequency). This missense change has been observed in individual(s) with Andersen-Tawil syndrome (PMID: 12796536, 17119796, 17221872, 22589293). In at least one individual the variant was observed to be de novo. It has also been observed to segregate with disease in related individuals. ClinVar contains an entry for this variant (Variation ID: 8919). Invitae Evidence Modeling of protein sequence and biophysical properties (such as structural, functional, and spatial information, amino acid conservation, physicochemical variation, residue mobility, and thermodynamic stability) indicates that this missense variant is expected to disrupt KCNJ2 protein function with a positive predictive value of 95%. Experimental studies have shown that this missense change affects KCNJ2 function (PMID: 12909315, 17119796, 17568571). For these reasons, this variant has been classified as Pathogenic.

Blueprint Genetics
Classification: Pathogenic for KCNJ2-related disorders. Last evaluated: 2024-08-06. Review status: criteria provided, single submitter. Criteria: ACMG Guidelines, 2015. Collection method: clinical testing. Allele origin: de novo. Affected: yes. Observed: 5 variant alleles.

Ambry Genetics
Classification: Pathogenic for Cardiovascular phenotype. Last evaluated: 2024-07-11. Review status: criteria provided, single submitter. Criteria: Ambry Variant Classification Scheme 2023. Collection method: clinical testing. Allele origin: germline.
Comment: The p.R218W pathogenic mutation (also known as c.652C>T), located in coding exon 1 of the KCNJ2 gene, results from a C to T substitution at nucleotide position 652. The arginine at codon 218 is replaced by tryptophan, an amino acid with dissimilar properties. This variant has been reported in multiple individuals with features consistent with Andersen-Tawil syndrome (ATS), including de novo occurrences, has been reported to segregate with disease features in families, and has shown intrafamilial phenotypic variability (Plaster NM et al. Cell. 2001 May;105(4):511-9; Donaldson MR et al. Neurology. 2003 Jun;60(11):1811-6; Tengan CH et al. Arq Neuropsiquiatr. 2006 Sep;64(3A):582-4; Haruna Y et al. Hum Mutat. 2007 Feb;28(2):208; Kimura H et al. Circ Cardiovasc Genet. 2012 Jun;5(3):344-53; Lefter S et al. J Clin Neuromuscul Dis. 2014 Dec;16(2):79-82; Ardissone A et al. Neuromuscul Disord. 2017 Mar;27(3):294-297; Villar-Quiles RN et al. Eur J Neurol. 2022 Aug;29(8):2398-2411). Another variant at the same codon, p.R218Q (c.653G>A), has also been reported in association with ATS (Plaster NM et al. Cell, 2001 May;105:511-9). In assays testing KCNJ2 function, this variant showed functionally abnormal results (Plaster NM. Cell. 2001 May;105(4):511-9; Lange PS. Cardiovasc Res. 2003 Aug;59(2):321-7). This amino acid position is highly conserved in available vertebrate species. In addition, this alteration is predicted to be deleterious by in silico analysis. This variant is considered to be rare based on population cohorts in the Genome Aggregation Database (gnomAD). Based on the supporting evidence, this variant is interpreted as a disease-causing mutation.

3billion
Classification: Pathogenic for Andersen Tawil syndrome. Last evaluated: 2024-06-24. Review status: criteria provided, single submitter. Criteria: ACMG Guidelines, 2015. Collection method: clinical testing. Allele origin: germline. Affected: yes.
Comment: The variant is not observed in the gnomAD v4.0.0 dataset. Predicted Consequence/Location: Missense changes are a common disease-causing mechanism. In silico tool predictions suggest damaging effect of the variant on gene or gene product [REVEL: 0.92 (>=0.6, sensitivity 0.68 and specificity 0.92); 3Cnet: 1.00 (>=0.6, sensitivity 0.72 and precision 0.9)]. The same nucleotide change resulting in the same amino acid change has been previously reported as pathogenic/likely pathogenic with strong evidence (ClinVar ID: VCV000008919 /PMID: 11371347). Different missense changes at the same codon (p.Arg218Gln, p.Arg218Leu, p.Arg218Pro) have been reported as pathogenic/likely pathogenic with strong evidence (ClinVar ID: VCV000067585, VCV000190813, VCV000430545 /PMID: 11371347, 28491792, 29606556). Therefore, this variant is classified as Pathogenic according to the recommendation of ACMG/AMP guideline.

GeneDx
Classification: Pathogenic. Last evaluated: 2023-05-04. Review status: criteria provided, single submitter. Criteria: GeneDx Variant Classification Process June 2021. Collection method: clinical testing. Allele origin: germline. Affected: yes.
Comment: Not observed at significant frequency in large population cohorts (gnomAD); In silico analysis supports that this missense variant has a deleterious effect on protein structure/function; Functional studies demonstrate a damaging effect: the variant causes a loss of function and a dominant negative effect on channel function when expressed with the wild-type protein (Plaster et al., 2001; Lange et al. 2003; Caballero et al., 2010); Also known as Kir2.1; This variant is associated with the following publications: (PMID: 12163457, 17568571, 17211524, 23631430, 20647529, 11371347, 25415519, 23867365, 15269659, 17119796, 18554214, 28501311, 12796536, 17221872, 22589293, 29093808, 15852530, 16217063, 17399642, 22581653, 28024840, 31068157, 31567646, 34008892, 35460302, 33057326, 20713726, 12909315)

Center of Excellence for Medical Genomics, Chulalongkorn University
Classification: Likely pathogenic for Andersen Tawil syndrome. Last evaluated: 2022-10-05. Review status: criteria provided, single submitter. Criteria: ACMG Guidelines, 2015. Collection method: research. Allele origin: germline. Affected: yes.

Revvity Omics, Revvity
Classification: Pathogenic. Last evaluated: 2022-04-28. Review status: criteria provided, single submitter. Criteria: ACMG Guidelines, 2015. Collection method: clinical testing. Allele origin: germline.

Institute of Medical Genetics and Applied Genomics, University Hospital Tübingen
Classification: Pathogenic. Last evaluated: 2020-10-23. Review status: criteria provided, single submitter. Criteria: ACMG Guidelines, 2015. Collection method: clinical testing. Allele origin: germline. Inheritance: Autosomal dominant inheritance. Affected: yes.

Genetics Laboratory, Department of Biology, Semnan University
Classification: Pathogenic for Andersen Tawil syndrome. Last evaluated: 2020-01-06. Review status: criteria provided, single submitter. Criteria: ACMG Guidelines, 2015. Collection method: case-control. Allele origin: inherited. Inheritance: Autosomal dominant inheritance. Affected: yes.
Comment: The identified mutation leads to the substitution of Arginine 218 with Tryptophan (R218W) in the KCNJ2 protein. Hence, this substitution alters the amino acid sequence and leads to a missense mutation at position 218 with possible increased function in the mutated protein.

Athena Diagnostics
Classification: Pathogenic. Last evaluated: 2018-05-10. Review status: criteria provided, single submitter. Criteria: Athena Diagnostics Criteria. Collection method: clinical testing. Allele origin: germline.

Laboratory of Medical Genetics, National & Kapodistrian University of Athens
Classification: Pathogenic for Andersen Tawil syndrome. Last evaluated: 2018-01-18. Review status: criteria provided, single submitter. Criteria: ACMG Guidelines, 2015. Collection method: clinical testing. Allele origin: germline. Affected: yes.
Comment: PM2, PM5, PP2, PP3, PP4, PP5

Juno Genomics, Hangzhou Juno Genomics, Inc
Classification: Pathogenic for Andersen Tawil syndrome; Atrial fibrillation, familial, 9; Short QT syndrome type 3. Review status: criteria provided, single submitter. Criteria: ACMG Guidelines, 2015. Collection method: clinical testing. Allele origin: germline. Affected: yes.
Comment: Absent from controls (or at extremely low frequency if recessive) in Genome Aggregation Database, Exome Sequencing Project, 1000 Genomes Project, or Exome Aggregation Consortium.;Multiple lines of computational evidence support a deleterious effect on the gene or gene product (conservation, evolutionary, splicing impact, etc).;Missense variant in a gene that has a low rate of benign missense variation and where missense variants are a common mechanism of disease.;The prevalence of the variant in affected individuals is significantly increased compared to the prevalence in controls.;Assumed de novo, but without confirmation of paternity and maternity.;Co-segregation with disease in multiple affected family members in a gene definitively known to cause the disease.

OMIM
Classification: Pathogenic for ANDERSEN CARDIODYSRHYTHMIC PERIODIC PARALYSIS. Last evaluated: 2001-05-18. Review status: no assertion criteria provided. Collection method: literature only. Allele origin: germline. Not counted in ClinVar's aggregate classification.